The following is an entry in ClinVar:

NM_003073.5(SMARCB1):c.*62T>C

Gene: SMARCB1 (SWI/SNF related BAF chromatin remodeling complex subunit B1; plus strand). Cytogenetic location: 22q11.23.
Variant type: single nucleotide variant.
Coding change: c.*62T>C on transcript NM_003073.5 (MANE Select); 62 bases downstream of the stop codon, T replaced by C.
Molecular consequence: 3 prime UTR variant.
Genome position (GRCh38, 1-based): chr22:23,834,242, T>C. VCF-style: chr22-23834242-T-C. GRCh37 (hg19) VCF-style: chr22-24176429-T-C.
Other names: c.*62T>C (NM_001007468.3, NM_001317946.2, NM_001362877.2).
Identifiers: ClinVar variation 3353022 (VCV003353022.1).

ClinVar aggregate classification (germline): Likely benign (0 of 4 stars; one submission).

Conditions:
SMARCB1-related disorder. Also called: SMARCB1-related disorders; SMARCB1-related condition.

gnomAD v4.1: 31 of 1,518,958 alleles (0.002%); highest among the groups gnomAD compares: Middle Eastern, 0.067%; 1 homozygote.

Submission:

PreventionGenetics, part of Exact Sciences
Classification: Likely benign for SMARCB1-related condition. Last evaluated: 2024-06-17. Review status: no assertion criteria provided. Collection method: clinical testing. Allele origin: germline.
Comment: This variant is classified as likely benign based on ACMG/AMP sequence variant interpretation guidelines (Richards et al. 2015 PMID: 25741868, with internal and published modifications).